The following is an entry in ClinVar:

ClinVar aggregate classification (germline): Uncertain significance (1 of 4 stars; one submission).

Submission:

Ambry Genetics
Classification: Uncertain significance. Last evaluated: 2026-01-21. Review status: criteria provided, single submitter. Criteria: Ambry Variant Classification Scheme 2023. Collection method: clinical testing. Allele origin: germline.
Comment: The p.I1061T variant (also known as c.3182T>C), located in coding exon 28 of the KIF1B gene, results from a T to C substitution at nucleotide position 3182. The isoleucine at codon 1061 is replaced by threonine, an amino acid with similar properties. This amino acid position is not well conserved in available vertebrate species. In addition, this alteration is predicted to be tolerated by in silico analysis. The evidence for this gene-disease relationship is limited; therefore, the clinical significance of this variant is unclear.

NM_001365951.3(KIF1B):c.3320T>C (p.Ile1107Thr)

Gene: KIF1B (kinesin family member 1B; plus strand). Cytogenetic location: 1p36.22.
Variant type: single nucleotide variant.
Coding change: c.3320T>C on transcript NM_001365951.3 (MANE Select); coding-DNA position 3320, T replaced by C.
Protein change: p.Ile1107Thr; replaces isoleucine 1107 with threonine.
Molecular consequence: missense variant.
Genome position (GRCh38, 1-based): chr1:10,337,431, T>C. VCF-style: chr1-10337431-T-C. GRCh37 (hg19) VCF-style: chr1-10397489-T-C.
Other names: c.3320T>C, p.Ile1107Thr (NM_001365952.1); c.3182T>C, p.Ile1061Thr (NM_015074.3); short protein forms I1061T, I1107T.
Identifiers: ClinVar variation 4844647 (VCV004844647.1).
Genomic context (GRCh38, chr1:10,337,431, plus strand): 5'-ATTTGAAGTCAAGCACTTTGCTGGATGGTAAGATGGTAATGGAAGGGTTTTCTGAAGAGA[T>C]TGGCAACCACCTGAAACTGGGCAGTGCCTTCACTTTCCGAGTAACAGTGTTGCAGGCCAG-3'
Protein context (NP_001352880.1, residues 1097-1117): KMVMEGFSEE[Ile1107Thr]GNHLKLGSAF